The following is an entry in ClinVar:

ClinVar aggregate classification (germline): Uncertain significance (1 of 4 stars; one submission).

Conditions:
Congenital myasthenic syndrome 18. Also called: MYASTHENIC SYNDROME, CONGENITAL, 18, WITH INTELLECTUAL DISABILITY AND ATAXIA. Identifiers: Orphanet 590, MedGen C4225364, MONDO:0014590, OMIM 616330.

Submission:

Labcorp Genetics (formerly Invitae), Labcorp
Classification: Uncertain significance for Congenital myasthenic syndrome 18. Last evaluated: 2021-05-10. Review status: criteria provided, single submitter. Criteria: Invitae Variant Classification Sherloc (09022015). Collection method: clinical testing. Allele origin: germline.
Comment: This variant is not present in population databases (ExAC no frequency). In summary, the available evidence is currently insufficient to determine the role of this variant in disease. Therefore, it has been classified as a Variant of Uncertain Significance. Algorithms developed to predict the effect of missense changes on protein structure and function (SIFT, PolyPhen-2, Align-GVGD) all suggest that this variant is likely to be tolerated, but these predictions have not been confirmed by published functional studies and their clinical significance is uncertain. This variant has not been reported in the literature in individuals with SNAP25-related conditions. This sequence change replaces aspartic acid with glycine at codon 4 of the SNAP25 protein (p.Asp4Gly). The aspartic acid residue is highly conserved and there is a moderate physicochemical difference between aspartic acid and glycine.

NM_130811.4(SNAP25):c.11A>G (p.Asp4Gly)

Gene: SNAP25 (synaptosome associated protein 25; plus strand). Cytogenetic location: 20p12.2.
Variant type: single nucleotide variant.
Coding change: c.11A>G on transcript NM_130811.4 (MANE Select); coding-DNA position 11, A replaced by G.
Protein change: p.Asp4Gly; replaces aspartic acid 4 with glycine.
Molecular consequence: missense variant.
Genome position (GRCh38, 1-based): chr20:10,275,502, A>G. VCF-style: chr20-10275502-A-G. GRCh37 (hg19) VCF-style: chr20-10256150-A-G.
Other names: c.11A>G, p.Asp4Gly (NM_001322902.2, NM_001322903.2, NM_001322904.2 and 7 more transcripts); short protein forms D4G.
Identifiers: ClinVar variation 1447199 (VCV001447199.8), dbSNP rs11547861, ClinGen allele CA311798666.